The following is an entry in ClinVar:

NM_001846.4(COL4A2):c.1777-3C>T

Gene: COL4A2 (collagen type IV alpha 2 chain; plus strand). Cytogenetic location: 13q34.
Variant type: single nucleotide variant.
Coding change: c.1777-3C>T on transcript NM_001846.4 (MANE Select); 3 bases into the intron before coding-DNA position 1777, C replaced by T.
Molecular consequence: intron variant.
Genome position (GRCh38, 1-based): chr13:110,465,402, C>T. VCF-style: chr13-110465402-C-T. GRCh37 (hg19) VCF-style: chr13-111117749-C-T.
Identifiers: ClinVar variation 3036198 (VCV003036198.2), dbSNP rs1307968289, ClinGen allele CA612866763.
Genomic context (GRCh38, chr13:110,465,402, plus strand): 5'-GGAAGTCGAGGCGATCTTTAACATTAGTATATATTTTAAGAAATAAACTGAATTTTCACA[C>T]AGGGTGATGGCATCAAGGGCCCTCCAGGGGACCCAGGCTATCCAGGAATACCTGGAACGA-3'

ClinVar aggregate classification (germline): Likely benign (0 of 4 stars; one submission).

Conditions:
COL4A2-related disorder. Also called: COL4A2-related disorders; COL4A2-related condition.

Allele frequency attached by ClinVar (database versions not stated): gnomAD 0.00001; gnomAD exomes 0.00001.
gnomAD v4.1: 8 of 1,582,806 alleles (0.00051%); highest among the groups gnomAD compares: Non-Finnish European, 0.00068%; no homozygotes.

Submission:

PreventionGenetics, part of Exact Sciences
Classification: Likely benign for COL4A2-related condition. Last evaluated: 2022-05-13. Review status: no assertion criteria provided. Collection method: clinical testing. Allele origin: germline.
Comment: This variant is classified as likely benign based on ACMG/AMP sequence variant interpretation guidelines (Richards et al. 2015 PMID: 25741868, with internal and published modifications).